The following is an entry in ClinVar:

ClinVar aggregate classification (germline): Uncertain significance (1 of 4 stars; one submission).

Conditions:
Charcot-Marie-Tooth disease type 4. Also called: Charcot-Marie-Tooth disease, type IV; Charcot-Marie-Tooth, Type 4. Identifiers: Orphanet 64749, MedGen C4082197, MONDO:0018995.

Allele frequency attached by ClinVar (database versions not stated): gnomAD exomes below 0.00001 and 0.00001.
gnomAD v4.1: 11 of 1,613,946 alleles (0.00068%); highest among the groups gnomAD compares: Non-Finnish European, 0.00093%; no homozygotes.

Submission:

Labcorp Genetics (formerly Invitae), Labcorp
Classification: Uncertain significance for Charcot-Marie-Tooth disease type 4. Last evaluated: 2021-04-19. Review status: criteria provided, single submitter. Criteria: Invitae Variant Classification Sherloc (09022015). Collection method: clinical testing. Allele origin: germline.
Comment: In summary, the available evidence is currently insufficient to determine the role of this variant in disease. Therefore, it has been classified as a Variant of Uncertain Significance. This sequence change replaces alanine with valine at codon 963 of the PRX protein (p.Ala963Val). The alanine residue is moderately conserved and there is a small physicochemical difference between alanine and valine. This variant is not present in population databases (ExAC no frequency). This variant has not been reported in the literature in individuals with PRX-related conditions. Algorithms developed to predict the effect of missense changes on protein structure and function are either unavailable or do not agree on the potential impact of this missense change (SIFT: "Tolerated"; PolyPhen-2: "Possibly Damaging"; Align-GVGD: "Class C0").

NM_181882.3(PRX):c.2888C>T (p.Ala963Val)

Gene: PRX (periaxin; minus strand). Cytogenetic location: 19q13.2.
Variant type: single nucleotide variant.
Coding change: c.2888C>T on transcript NM_181882.3 (MANE Select); coding-DNA position 2888, C replaced by T.
Protein change: p.Ala963Val; replaces alanine 963 with valine.
Molecular consequence: missense variant. On other transcripts: 3 prime UTR variant (1).
Genome position (GRCh38, 1-based): chr19:40,395,464, G>A on the plus strand (C>T on the coding strand, the complement: PRX is on the minus strand). VCF-style: chr19-40395464-G-A. GRCh37 (hg19) VCF-style: chr19-40901371-G-A.
Other names: c.*3093C>T (NM_020956.2); short protein forms A963V.
Identifiers: ClinVar variation 1388973 (VCV001388973.8), dbSNP rs1187783058, ClinGen allele CA405895372.